The following is an entry in ClinVar:

NM_001942.4(DSG1):c.1765T>C (p.Cys589Arg)

Genes: DSG1 (desmoglein 1; plus strand), DSG1-AS1 (DSG1 antisense RNA 1; minus strand). Cytogenetic location: 18q12.1.
Variant type: single nucleotide variant.
Coding change: c.1765T>C on transcript NM_001942.4 (MANE Select); coding-DNA position 1765, T replaced by C.
Protein change: p.Cys589Arg; replaces cysteine 589 with arginine.
Molecular consequence: missense variant. On other transcripts: non-coding transcript variant (2).
Genome position (GRCh38, 1-based): chr18:31,343,527, T>C. VCF-style: chr18-31343527-T-C. GRCh37 (hg19) VCF-style: chr18-28923490-T-C.
Other names: short protein forms C589R.
Identifiers: ClinVar variation 2543789 (VCV002543789.4), dbSNP rs1216730930, ClinGen allele CA402117375.

ClinVar aggregate classification (germline): Uncertain significance. Review status: criteria provided, multiple submitters, no conflicts (2 of 4 stars). 2 submissions from 2 submitters: Uncertain significance (2). Last evaluated 2024-11-06.

Conditions:
Inborn genetic diseases. Identifiers: MedGen C0950123, MeSH D030342.

Submissions (2):

Labcorp Genetics (formerly Invitae), Labcorp
Classification: Uncertain significance. Last evaluated: 2024-11-06. Review status: criteria provided, single submitter. Criteria: Invitae Variant Classification Sherloc (09022015). Collection method: clinical testing. Allele origin: germline.
Comment: This sequence change replaces cysteine, which is neutral and slightly polar, with arginine, which is basic and polar, at codon 589 of the DSG1 protein (p.Cys589Arg). This variant is present in population databases (no rsID available, gnomAD no frequency). This variant has not been reported in the literature in individuals affected with DSG1-related conditions. ClinVar contains an entry for this variant (Variation ID: 2543789). Invitae Evidence Modeling of protein sequence and biophysical properties (such as structural, functional, and spatial information, amino acid conservation, physicochemical variation, residue mobility, and thermodynamic stability) indicates that this missense variant is not expected to disrupt DSG1 protein function with a negative predictive value of 80%. In summary, the available evidence is currently insufficient to determine the role of this variant in disease. Therefore, it has been classified as a Variant of Uncertain Significance.

Ambry Genetics
Classification: Uncertain significance for Inborn genetic diseases. Last evaluated: 2023-05-04. Review status: criteria provided, single submitter. Criteria: Ambry Variant Classification Scheme 2023. Collection method: clinical testing. Allele origin: germline.